The following is an entry in ClinVar:

ClinVar aggregate classification (germline): Uncertain significance (1 of 4 stars; one submission).

gnomAD v4.1: 32 of 1,613,908 alleles (0.002%); highest among the groups gnomAD compares: Non-Finnish European, 0.0025%; no homozygotes.

Submission:

CeGaT Center for Human Genetics Tuebingen
Classification: Uncertain significance. Last evaluated: 2025-12-01. Review status: criteria provided, single submitter. Criteria: CeGaT Center For Human Genetics Tuebingen Variant Classification Criteria Version 2. Collection method: clinical testing. Allele origin: germline. Affected: yes. Observed: 1 variant allele.
Comment: GBF1: PM2:Supporting

NM_001377137.1(GBF1):c.1733C>T (p.Ser578Phe)

Gene: GBF1 (golgi brefeldin A resistant guanine nucleotide exchange factor 1; plus strand). Cytogenetic location: 10q24.32.
Variant type: single nucleotide variant.
Coding change: c.1733C>T on transcript NM_001377137.1 (MANE Select); coding-DNA position 1733, C replaced by T.
Protein change: p.Ser578Phe; replaces serine 578 with phenylalanine.
Molecular consequence: missense variant. On other transcripts: non-coding transcript variant (5).
Genome position (GRCh38, 1-based): chr10:102,362,521, C>T. VCF-style: chr10-102362521-C-T. GRCh37 (hg19) VCF-style: chr10-104122278-C-T.
Other names: c.1733C>T, p.Ser578Phe (NM_001199378.2, NM_001391923.1, NM_001391926.1); c.1730C>T, p.Ser577Phe (NM_001199379.2, NM_001377138.1, NM_001377141.1 and 7 more transcripts); c.1436C>T, p.Ser479Phe (NM_001377139.1, NM_001377140.1); c.1829C>T, p.Ser610Phe (NM_001391922.1, NM_001411027.1); c.1352C>T, p.Ser451Phe (NM_001391931.1); c.1805C>T, p.Ser602Phe (NM_001411003.1); short protein forms S451F, S479F, S577F, S578F, S602F, S610F.
Identifiers: ClinVar variation 4681646 (VCV004681646.5).
Genomic context (GRCh38, chr10:102,362,521, plus strand): 5'-TGTTTACTTTCCAGAATGCCTTCCCTGTGTCTGGTCAACTCTATACAACACACCTACTAT[C>T]TCTTGATGCCCTATTGACAGTGATTGACAGCACCGAGGCCCACTGCCAGGCTAAAGTCCT-3'
Protein context (NP_001364066.1, residues 568-588): SGQLYTTHLL[Ser578Phe]LDALLTVIDS